The following is an entry in ClinVar:

NM_170784.3(MKKS):c.1362_1369dup (p.Val457fs)

Gene: MKKS (MKKS centrosomal shuttling protein; minus strand). Cytogenetic location: 20p12.2.
Variant type: Duplication.
Coding change: c.1362_1369dup on transcript NM_170784.3 (MANE Select); coding-DNA positions 1362 to 1369, 8 bases duplicated (AGAATCTG; older notation c.1362_1369dupAGAATCTG).
Protein change: p.Val457fs; shifts the reading frame from valine 457.
Molecular consequence: frameshift variant. On other transcripts: non-coding transcript variant (1).
Genome position (GRCh38, 1-based): chr20:10,405,591-10,405,598, CAGATTCT duplicated on the plus strand (AGAATCTG on the coding strand, the reverse complement: MKKS is on the minus strand). VCF-style (leftmost placement, unchanged base first): chr20-10405590-A-ACAGATTCT. GRCh37 (hg19) VCF-style: chr20-10386238-A-ACAGATTCT.
Other names: c.1362_1369dup, p.Val457fs (NM_018848.3); short protein forms V457fs.
Identifiers: ClinVar variation 1511762 (VCV001511762.8), dbSNP rs2122220042, ClinGen allele CA2573156826.

ClinVar aggregate classification (germline): Likely pathogenic (1 of 4 stars; one submission).

Conditions:
Bardet-Biedl syndrome (BBS). Identifiers: Orphanet 110, MedGen C0752166, MONDO:0015229.
McKusick-Kaufman syndrome (MKKS). Also called: HYDROMETROCOLPOS SYNDROME; HYDROMETROCOLPOS, POSTAXIAL POLYDACTYLY, AND CONGENITAL HEART MALFORMATION. Identifiers: Orphanet 2473, MedGen C0948368, MONDO:0009367, OMIM 236700.

Submission:

Labcorp Genetics (formerly Invitae), Labcorp
Classification: Likely pathogenic for McKusick-Kaufman syndrome; Bardet-Biedl syndrome. Last evaluated: 2021-01-28. Review status: criteria provided, single submitter. Criteria: Invitae Variant Classification Sherloc (09022015). Collection method: clinical testing. Allele origin: germline.
Comment: This sequence change creates a premature translational stop signal (p.Val457Glufs*8) in the MKKS gene. While this is not anticipated to result in nonsense mediated decay, it is expected to disrupt the last 114 amino acid(s) of the MKKS protein. This variant is not present in population databases (ExAC no frequency). In summary, the currently available evidence indicates that the variant is pathogenic, but additional data are needed to prove that conclusively. Therefore, this variant has been classified as Likely Pathogenic. This variant disrupts the C-terminus of the MKKS protein. Other variant(s) that disrupt this region (p.Ser479*, p.Leu493Cysfs*21, p.Gln550*) have been observed in individuals with MKKS-related conditions (PMID: 15770229, 30614526, 20177705). This suggests that this may be a clinically significant region of the protein. This variant has not been reported in the literature in individuals with MKKS-related conditions.

Literature cited by the submitters: PubMed 15770229; PubMed 30614526; PubMed 20177705.